The following is an entry in ClinVar:

ClinVar aggregate classification (germline): Uncertain significance (1 of 4 stars; one submission).

Conditions:
Hereditary cancer-predisposing syndrome. Also called: Hereditary neoplastic syndrome; Neoplastic Syndromes, Hereditary; Tumor predisposition; Hereditary Cancer Syndrome. Identifiers: Orphanet 140162, MedGen C0027672, MeSH D009386, MONDO:0015356.

Submission:

Ambry Genetics
Classification: Uncertain significance for Hereditary cancer-predisposing syndrome. Last evaluated: 2025-01-17. Review status: criteria provided, single submitter. Criteria: Ambry Variant Classification Scheme 2023. Collection method: clinical testing. Allele origin: germline.
Comment: The p.K476E variant (also known as c.1426A>G), located in coding exon 6 of the BLM gene, results from an A to G substitution at nucleotide position 1426. The lysine at codon 476 is replaced by glutamic acid, an amino acid with similar properties. This amino acid position is conserved. In addition, this alteration is predicted to be tolerated by in silico analysis. Based on the available evidence, the clinical significance of this variant remains unclear.

NM_000057.4(BLM):c.1426A>G (p.Lys476Glu)

Gene: BLM (BLM RecQ like helicase; plus strand). Cytogenetic location: 15q26.1.
Variant type: single nucleotide variant.
Coding change: c.1426A>G on transcript NM_000057.4 (MANE Select); coding-DNA position 1426, A replaced by G.
Protein change: p.Lys476Glu; replaces lysine 476 with glutamic acid.
Molecular consequence: missense variant.
Genome position (GRCh38, 1-based): chr15:90,760,799, A>G. VCF-style: chr15-90760799-A-G. GRCh37 (hg19) VCF-style: chr15-91304029-A-G.
Other names: c.1426A>G, p.Lys476Glu (NM_001287247.2, NM_001287246.2); c.301A>G, p.Lys101Glu (NM_001287248.2); short protein forms K101E, K476E.
Identifiers: ClinVar variation 3824454 (VCV003824454.1).